The following is an entry in ClinVar:

ClinVar aggregate classification (germline): Uncertain significance. Review status: criteria provided, multiple submitters, no conflicts (2 of 4 stars). 3 submissions from 3 submitters: Uncertain significance (3). Last evaluated 2025-06-12.

Conditions:
Inborn genetic diseases. Identifiers: MedGen C0950123, MeSH D030342.
SPG11-related disorder. Also called: SPG11-related condition.
Hereditary spastic paraplegia 11. Also called: Nakamura Osame syndrome; Autosomal recessive hereditary spastic paraplegia, mental impairment, and thin corpus callosum; Spastic Paraplegia 11; Spastic paraplegia, mental retardation and thin corpus callosum; SPASTIC PARAPLEGIA, AUTOSOMAL RECESSIVE, COMPLICATED, WITH THIN CORPUS CALLOSUM; SPASTIC PARAPLEGIA, AUTOSOMAL RECESSIVE, WITH MENTAL IMPAIRMENT AND THIN CORPUS CALLOSUM. Identifiers: Orphanet 2822, MedGen C1858479, MONDO:0011445, OMIM 604360.

Allele frequency attached by ClinVar (database versions not stated): ExAC 0.00003; TOPMed 0.00003; ESP Exome Variant Server 0.00015; 1000 Genomes Project 30x 0.00016; 1000 Genomes Project 0.00020; gnomAD 0.00001; gnomAD exomes 0.00001 and 0.00002.
gnomAD v4.1: 15 of 1,613,974 alleles (0.00093%); highest among the groups gnomAD compares: East Asian, 0.0045%; no homozygotes.

Submissions (3):

Ambry Genetics
Classification: Uncertain significance for Inborn genetic diseases. Last evaluated: 2025-06-12. Review status: criteria provided, single submitter. Criteria: Ambry Variant Classification Scheme 2023. Collection method: clinical testing. Allele origin: germline.

PreventionGenetics, part of Exact Sciences
Classification: Uncertain significance for SPG11-related condition. Last evaluated: 2025-04-24. Review status: criteria provided, single submitter. Criteria: ACMG Guidelines, 2015. Collection method: clinical testing. Allele origin: germline.
Comment: The SPG11 c.6989G>A variant is predicted to result in the amino acid substitution p.Arg2330Gln. To our knowledge, this variant has not been reported in the literature. This variant is reported in 0.0062% of alleles in individuals of African descent in gnomAD. At this time, the clinical significance of this variant is uncertain due to the absence of conclusive functional and genetic evidence.

Labcorp Genetics (formerly Invitae), Labcorp
Classification: Uncertain significance for Hereditary spastic paraplegia 11. Last evaluated: 2021-08-31. Review status: criteria provided, single submitter. Criteria: Invitae Variant Classification Sherloc (09022015). Collection method: clinical testing. Allele origin: germline.
Comment: This sequence change replaces arginine with glutamine at codon 2330 of the SPG11 protein (p.Arg2330Gln). The arginine residue is highly conserved and there is a small physicochemical difference between arginine and glutamine. This variant is present in population databases (rs142339015, ExAC 0.01%). This variant has not been reported in the literature in individuals affected with SPG11-related conditions. Algorithms developed to predict the effect of missense changes on protein structure and function output the following: SIFT: "Deleterious"; PolyPhen-2: "Benign"; Align-GVGD: "Class C0". The glutamine amino acid residue is found in multiple mammalian species, which suggests that this missense change does not adversely affect protein function. Algorithms developed to predict the effect of sequence changes on RNA splicing suggest that this variant may create or strengthen a splice site. In summary, the available evidence is currently insufficient to determine the role of this variant in disease. Therefore, it has been classified as a Variant of Uncertain Significance.

NM_025137.4(SPG11):c.6989G>A (p.Arg2330Gln)

Gene: SPG11 (SPG11 vesicle trafficking associated, spatacsin; minus strand). Cytogenetic location: 15q21.1.
Variant type: single nucleotide variant.
Coding change: c.6989G>A on transcript NM_025137.4 (MANE Select); coding-DNA position 6989, G replaced by A.
Protein change: p.Arg2330Gln; replaces arginine 2330 with glutamine.
Molecular consequence: missense variant.
Genome position (GRCh38, 1-based): chr15:44,565,864, C>T on the plus strand (G>A on the coding strand, the complement: SPG11 is on the minus strand). VCF-style: chr15-44565864-C-T. GRCh37 (hg19) VCF-style: chr15-44858062-C-T.
Other names: c.6650G>A, p.Arg2217Gln (NM_001160227.2); c.6989G>A (NM_025137.3); short protein forms R2330Q, R2217Q.
Identifiers: ClinVar variation 1046538 (VCV001046538.4), dbSNP rs142339015, ClinGen allele CA7533938.